The following is an entry in ClinVar:

NM_153460.4(IL17RC):c.1750G>A (p.Gly584Ser)

Gene: IL17RC (interleukin 17 receptor C; plus strand). Cytogenetic location: 3p25.3.
Variant type: single nucleotide variant.
Coding change: c.1750G>A on transcript NM_153460.4 (MANE Select); coding-DNA position 1750, G replaced by A.
Protein change: p.Gly584Ser; replaces glycine 584 with serine.
Molecular consequence: missense variant. On other transcripts: non-coding transcript variant (1).
Genome position (GRCh38, 1-based): chr3:9,933,180, G>A. VCF-style: chr3-9933180-G-A. GRCh37 (hg19) VCF-style: chr3-9974864-G-A.
Other names: c.1711G>A, p.Gly571Ser (NM_001203263.2); c.1660G>A, p.Gly554Ser (NM_001203264.2); c.1654G>A, p.Gly552Ser (NM_001203265.2); c.1672G>A, p.Gly558Ser (NM_001367278.1); c.1591G>A, p.Gly531Ser (NM_001367279.1); c.1666G>A, p.Gly556Ser (NM_001367280.1); c.1615G>A, p.Gly539Ser (NM_001410711.1); c.1705G>A, p.Gly569Ser (NM_032732.6); and 2 more; short protein forms G554S, G571S, G584S, G531S, G556S, G558S, G539S, G552S.
Identifiers: ClinVar variation 2179805 (VCV002179805.5), dbSNP rs767536566, ClinGen allele CA2247397.

ClinVar aggregate classification (germline): Uncertain significance. Review status: criteria provided, multiple submitters, no conflicts (2 of 4 stars). 2 submissions from 2 submitters: Uncertain significance (2). Last evaluated 2025-08-28.

Conditions:
Candidiasis, familial, 9 (CANDF9). Identifiers: Orphanet 1334, MedGen C4225324, MONDO:0014642, OMIM 616445.

Allele frequency attached by ClinVar (database versions not stated): ExAC 0.00001; gnomAD 0.00001; TOPMed 0.00001.

Submissions (2):

Ambry Genetics
Classification: Uncertain significance. Last evaluated: 2025-08-28. Review status: criteria provided, single submitter. Criteria: Ambry Variant Classification Scheme 2023. Collection method: clinical testing. Allele origin: germline.

Labcorp Genetics (formerly Invitae), Labcorp
Classification: Uncertain significance for Candidiasis, familial, 9. Last evaluated: 2024-05-23. Review status: criteria provided, single submitter. Criteria: Invitae Variant Classification Sherloc (09022015). Collection method: clinical testing. Allele origin: germline.
Comment: This sequence change replaces glycine, which is neutral and non-polar, with serine, which is neutral and polar, at codon 655 of the IL17RC protein (p.Gly655Ser). This variant is present in population databases (rs767536566, gnomAD 0.02%). This variant has not been reported in the literature in individuals affected with IL17RC-related conditions. ClinVar contains an entry for this variant (Variation ID: 2179805). An algorithm developed to predict the effect of missense changes on protein structure and function (PolyPhen-2) suggests that this variant is likely to be disruptive. In summary, the available evidence is currently insufficient to determine the role of this variant in disease. Therefore, it has been classified as a Variant of Uncertain Significance.